The following is an entry in ClinVar:

ClinVar aggregate classification (germline): Likely pathogenic. Review status: criteria provided, multiple submitters, no conflicts (2 of 4 stars). 2 submissions from 2 submitters: Likely pathogenic (2). Last evaluated 2025-01-23.

Conditions:
Mitochondrial complex II deficiency, nuclear type 1. Also called: SUCCINATE CoQ REDUCTASE DEFICIENCY. Identifiers: Orphanet 3208, MedGen C5700310, MONDO:0100294, OMIM 252011.
Pheochromocytoma/paraganglioma syndrome 5. Also called: Paragangliomas 5; SDHA-Related Hereditary Paraganglioma-Pheochromocytoma Syndrome. Identifiers: Orphanet 29072, MedGen C3279992, MONDO:0013602, OMIM 614165.

Submissions (3):

Myriad Genetics, Inc.
Classification: Likely pathogenic for Pheochromocytoma/paraganglioma syndrome 5. Last evaluated: 2025-01-23. Review status: criteria provided, single submitter. Criteria: Myriad Autosomal Dominant, Autosomal Recessive and X-Linked Classification Criteria (2023). Collection method: clinical testing. Allele origin: unknown.
Comment: This variant is considered likely pathogenic. This variant occurs within a consensus splice junction and is predicted to result in abnormal mRNA splicing of either an out-of-frame exon or an in-frame exon necessary for protein stability and/or normal function.

Labcorp Genetics (formerly Invitae), Labcorp
Classification: Likely pathogenic for Pheochromocytoma/paraganglioma syndrome 5; Mitochondrial complex II deficiency, nuclear type 1. Last evaluated: 2023-10-04. Review status: criteria provided, single submitter. Criteria: Invitae Variant Classification Sherloc (09022015). Collection method: clinical testing. Allele origin: germline.
Comment: This sequence change affects a donor splice site in intron 10 of the SDHA gene. RNA analysis indicates that disruption of this splice site induces altered splicing and may result in an absent or disrupted protein product. This variant is not present in population databases (gnomAD no frequency). This variant has not been reported in the literature in individuals affected with SDHA-related conditions. Studies have shown that disruption of this splice site results in activation of a cryptic splice site and introduces a premature termination codon (Invitae). The resulting mRNA is expected to undergo nonsense-mediated decay. In summary, the currently available evidence indicates that the variant is pathogenic, but additional data are needed to prove that conclusively. Therefore, this variant has been classified as Likely Pathogenic.

Dr. Peter K. Rogan Lab, Western University
No classification provided (evidence only). Condition: Ovarian serous cystadenocarcinoma. Review status: no classification provided. Collection method: in vitro. Allele origin: not applicable. Functional consequence: retained intron. Not counted in ClinVar's aggregate classification.

NM_004168.4(SDHA):c.1432+1G>A

Gene: SDHA (succinate dehydrogenase complex flavoprotein subunit A; plus strand). Cytogenetic location: 5p15.33.
Variant type: single nucleotide variant.
Coding change: c.1432+1G>A on transcript NM_004168.4 (MANE Select); the canonical splice donor site of the intron after coding-DNA position 1432, G replaced by A.
Molecular consequence: splice donor variant.
Genome position (GRCh38, 1-based): chr5:236,600, G>A. VCF-style: chr5-236600-G-A. GRCh37 (hg19) VCF-style: chr5-236715-G-A.
Other names: c.1432+1G>A (NM_001330758.2); c.1288+1G>A (NM_001294332.2).
Identifiers: ClinVar variation 2951265 (VCV002951265.5), dbSNP rs878854628, ClinGen allele CA359014141.